The following is an entry in ClinVar:

ClinVar aggregate classification (germline): Conflicting classifications of pathogenicity. Review status: criteria provided, conflicting classifications (1 of 4 stars). 10 submissions from 10 submitters: Uncertain significance (7); Likely benign (3). Last evaluated 2026-01-16.

Conditions:
Hereditary cancer-predisposing syndrome. Also called: Hereditary neoplastic syndrome; Neoplastic Syndromes, Hereditary; Hereditary Cancer Syndrome; Tumor predisposition. Identifiers: Orphanet 140162, MedGen C0027672, MeSH D009386, MONDO:0015356.
BAP1-related tumor predisposition syndrome (TPDS1). Also called: BAP1 tumor predisposition syndrome; COMMON Syndrome; TUMOR PREDISPOSITION SYNDROME 1; Tumor susceptibility linked to germline BAP1 mutations. Identifiers: Orphanet 289539, MedGen C3280492, MONDO:0013692, OMIM 614327.

Allele frequency attached by ClinVar (database versions not stated): TOPMed 0.00004.

Submissions (10):

Labcorp Genetics (formerly Invitae), Labcorp
Classification: Uncertain significance for BAP1-related tumor predisposition syndrome. Last evaluated: 2026-01-16. Review status: criteria provided, single submitter. Criteria: Invitae Variant Classification Sherloc (09022015). Collection method: clinical testing. Allele origin: germline.
Comment: This sequence change replaces glutamic acid, which is acidic and polar, with alanine, which is neutral and non-polar, at codon 406 of the BAP1 protein (p.Glu406Ala). This variant is present in population databases (rs535695655, gnomAD 0.005%). This missense change has been observed in individual(s) with melanoma (PMID: 28062663, 36863448). ClinVar contains an entry for this variant (Variation ID: 412424). Invitae Evidence Modeling of protein sequence and biophysical properties (such as structural, functional, and spatial information, amino acid conservation, physicochemical variation, residue mobility, and thermodynamic stability) indicates that this missense variant is not expected to disrupt BAP1 protein function with a negative predictive value of 80%. In summary, the available evidence is currently insufficient to determine the role of this variant in disease. Therefore, it has been classified as a Variant of Uncertain Significance.

Center for Genomic Medicine, Rigshospitalet, Copenhagen University Hospital
Classification: Uncertain significance. Last evaluated: 2025-12-29. Review status: criteria provided, single submitter. Criteria: ACMG Guidelines, 2015. Collection method: clinical testing. Allele origin: germline.
Comment: Classification criteria: BP4_Moderate

Department of Clinical Genetics, Copenhagen University Hospital, Rigshospitalet
Classification: Likely benign for BAP1-related tumor predisposition syndrome. Last evaluated: 2025-06-25. Review status: criteria provided, single submitter. Criteria: ACMG Guidelines, 2015. Collection method: clinical testing. Allele origin: germline.
Comment: The following ACMG criteria has been used: BP4; BS3_SUP

Color Diagnostics, LLC DBA Color Health
Classification: Uncertain significance for Hereditary cancer-predisposing syndrome. Last evaluated: 2024-12-17. Review status: criteria provided, single submitter. Criteria: ACMG Guidelines, 2015. Collection method: clinical testing. Allele origin: germline.
Comment: This missense variant replaces glutamic acid with alanine at codon 406 of the BAP1 protein. Computational prediction suggests that this variant may not impact protein structure and function. To our knowledge, functional studies have not been reported for this variant. This variant has been reported in an individual affected with melanoma (PMID: 28062663). This variant has also been identified in 7/248872 chromosomes in the general population by the Genome Aggregation Database (gnomAD). The available evidence is insufficient to determine the role of this variant in disease conclusively. Therefore, this variant is classified as a Variant of Uncertain Significance.

Myriad Genetics, Inc.
Classification: Likely benign for BAP1-related tumor predisposition syndrome. Last evaluated: 2024-07-15. Review status: criteria provided, single submitter. Criteria: Myriad Autosomal Dominant, Autosomal Recessive and X-Linked Classification Criteria (2023). Collection method: clinical testing. Allele origin: unknown.
Comment: This variant is considered likely benign. This variant has been observed at a population frequency that is significantly greater than expected given the associated disease prevalence and penetrance.

GeneDx
Classification: Uncertain significance. Last evaluated: 2024-05-16. Review status: criteria provided, single submitter. Criteria: GeneDx Variant Classification Process June 2021. Collection method: clinical testing. Allele origin: germline. Affected: yes.
Comment: In silico analysis indicates that this missense variant does not alter protein structure/function; Observed in individual(s) with melanoma (PMID: 28062663); This variant is associated with the following publications: (PMID: 28062663)

Baylor Genetics
Classification: Uncertain significance for BAP1-related tumor predisposition syndrome. Last evaluated: 2023-05-11. Review status: criteria provided, single submitter. Criteria: ACMG Guidelines, 2015. Collection method: clinical testing. Allele origin: unknown.

Blueprint Genetics
Classification: Uncertain significance. Last evaluated: 2022-09-28. Review status: criteria provided, single submitter. Criteria: ACMG Guidelines, 2015. Collection method: clinical testing. Allele origin: germline.

Institute for Clinical Genetics, University Hospital TU Dresden, University Hospital TU Dresden
Classification: Uncertain significance. Last evaluated: 2021-11-03. Review status: criteria provided, single submitter. Criteria: ACMG Guidelines, 2015. Collection method: clinical testing. Allele origin: germline.

Ambry Genetics
Classification: Likely benign for Hereditary cancer-predisposing syndrome. Last evaluated: 2021-05-06. Review status: criteria provided, single submitter. Criteria: Ambry Variant Classification Scheme 2023. Collection method: clinical testing. Allele origin: germline.

Literature cited by the submitters: PubMed 28062663 (cited by 4 submitters); PubMed 36863448 (cited by Labcorp Genetics (formerly Invitae), Labcorp); PubMed 38969833 (cited by Department of Clinical Genetics, Copenhagen University Hospital, Rigshospitalet).

NM_004656.4(BAP1):c.1217A>C (p.Glu406Ala)

Gene: BAP1 (BRCA1 associated deubiquitinase 1; minus strand). Cytogenetic location: 3p21.1.
Variant type: single nucleotide variant.
Coding change: c.1217A>C on transcript NM_004656.4 (MANE Select); coding-DNA position 1217, A replaced by C.
Protein change: p.Glu406Ala; replaces glutamic acid 406 with alanine.
Molecular consequence: missense variant.
Genome position (GRCh38, 1-based): chr3:52,404,486, T>G on the plus strand (A>C on the coding strand, the complement: BAP1 is on the minus strand). VCF-style: chr3-52404486-T-G. GRCh37 (hg19) VCF-style: chr3-52438502-T-G.
Other names: c.1217A>C (LRG_529t1); short protein forms E406A.
Identifiers: ClinVar variation 412424 (VCV000412424.34), dbSNP rs535695655, ClinGen allele CA2436872.